The following is an entry in ClinVar:

ClinVar aggregate classification (germline): Pathogenic (1 of 4 stars; one submission).

Conditions:
Bardet-Biedl syndrome (BBS). Identifiers: Orphanet 110, MedGen C0752166, MONDO:0015229.

Submission:

Labcorp Genetics (formerly Invitae), Labcorp
Classification: Pathogenic for Bardet-Biedl syndrome. Last evaluated: 2023-01-21. Review status: criteria provided, single submitter. Criteria: Invitae Variant Classification Sherloc (09022015). Collection method: clinical testing. Allele origin: germline.
Comment: For these reasons, this variant has been classified as Pathogenic. This variant has not been reported in the literature in individuals affected with BBS9-related conditions. This variant is a gross deletion of the genomic region encompassing exon(s) 6-19 of the BBS9 gene. This deletion is out-of-frame, and is expected to create a premature termination codon and result in an absent or disrupted protein product. Loss-of-function variants in BBS9 are known to be pathogenic (PMID: 16380913, 20177705).

Literature cited by the submitters: PubMed 16380913; PubMed 20177705.

NC_000007.13:g.(?_33296828)_(33427776_?)del

Gene: BBS9 (Bardet-Biedl syndrome 9; plus strand). Cytogenetic location: 7p14.3.
Variant type: Deletion.
Identifiers: ClinVar variation 1457217 (VCV001457217.7).